The following is an entry in ClinVar:

NM_182894.3(VSX2):c.862C>T (p.Arg288Trp)

Gene: VSX2 (visual system homeobox 2; plus strand). Cytogenetic location: 14q24.3.
Variant type: single nucleotide variant.
Coding change: c.862C>T on transcript NM_182894.3 (MANE Select); coding-DNA position 862, C replaced by T.
Protein change: p.Arg288Trp; replaces arginine 288 with tryptophan.
Molecular consequence: missense variant.
Genome position (GRCh38, 1-based): chr14:74,260,695, C>T. VCF-style: chr14-74260695-C-T. GRCh37 (hg19) VCF-style: chr14-74727398-C-T.
Other names: short protein forms R288W.
Identifiers: ClinVar variation 989732 (VCV000989732.5), dbSNP rs76055170, ClinGen allele CA7266480.
Genomic context (GRCh38, chr14:74,260,695, plus strand): 5'-AGGAAGCCCGAGGGGGAACGCCAGGCCCTGCCCAAGCTCGACAAGATGGAGCAGGACGAG[C>T]GGGGCCCCGACGCTCAGGCGGCCATCTCCCAGGAGGAACTGAGGGAGAACAGCATTGCGG-3'
Protein context (NP_878314.1, residues 278-298): PKLDKMEQDE[Arg288Trp]GPDAQAAISQ

ClinVar aggregate classification (germline): Conflicting classifications of pathogenicity. Review status: criteria provided, conflicting classifications (1 of 4 stars). 4 submissions from 4 submitters: Uncertain significance (2); Likely benign (1). 1 of the submissions does not count toward it. Last evaluated 2024-09-20.

Conditions:
Microphthalmia. Also called: Microphthalmos. Identifiers: MedGen C0026010, MONDO:0021129, HP:0000568.
Isolated microphthalmia 2. Identifiers: Orphanet 2542, MedGen C1864720, MONDO:0012409, OMIM 610093.
Microphthalmia, isolated, with coloboma 3 (MCOPCB3). Also called: MICROPHTHALMIA/COLOBOMA 3; MICROPHTHALMIA, COLOBOMATOUS, 3. Identifiers: Orphanet 98938, MedGen C1864721, MONDO:0012408, OMIM 610092.

Allele frequency attached by ClinVar (database versions not stated): gnomAD 0.00006 and 0.00007; ESP Exome Variant Server 0.00008; TOPMed 0.00008; gnomAD exomes 0.00012 and 0.00020; ExAC 0.00053.
gnomAD v4.1: 180 of 1,595,264 alleles (0.011%); highest among the groups gnomAD compares: East Asian, 0.018%; no homozygotes.

Submissions (4):

3billion
Classification: Likely benign for Isolated microphthalmia 2; Microphthalmia, isolated, with coloboma 3. Last evaluated: 2024-09-20. Review status: criteria provided, single submitter. Criteria: ACMG Guidelines, 2015. Collection method: clinical testing. Allele origin: germline. Affected: no.
Comment: The homozygous variant was found in patients diagnosed with another variant in a different gene, with no symptoms related to the gene containing the homozygous variant.

Labcorp Genetics (formerly Invitae), Labcorp
Classification: Uncertain significance for Isolated microphthalmia 2. Last evaluated: 2022-03-22. Review status: criteria provided, single submitter. Criteria: Invitae Variant Classification Sherloc (09022015). Collection method: clinical testing. Allele origin: germline.
Comment: This sequence change replaces arginine, which is basic and polar, with tryptophan, which is neutral and slightly polar, at codon 288 of the VSX2 protein (p.Arg288Trp). This variant is present in population databases (rs76055170, gnomAD 0.03%). This variant has not been reported in the literature in individuals affected with VSX2-related conditions. ClinVar contains an entry for this variant (Variation ID: 989732). Algorithms developed to predict the effect of missense changes on protein structure and function are either unavailable or do not agree on the potential impact of this missense change (SIFT: "Deleterious"; PolyPhen-2: "Possibly Damaging"; Align-GVGD: "Class C0"). In summary, the available evidence is currently insufficient to determine the role of this variant in disease. Therefore, it has been classified as a Variant of Uncertain Significance.

Fulgent Genetics
Classification: Uncertain significance for Microphthalmia, isolated, with coloboma 3; Isolated microphthalmia 2. Last evaluated: 2021-10-28. Review status: criteria provided, single submitter. Criteria: ACMG Guidelines, 2015. Collection method: clinical testing. Allele origin: unknown.

Natera, Inc.
Classification: Uncertain significance for Microphthalmia. Last evaluated: 2020-04-17. Review status: no assertion criteria provided. Collection method: clinical testing. Allele origin: germline. Not counted in ClinVar's aggregate classification.